The following is an entry in ClinVar:

ClinVar aggregate classification (germline): Uncertain significance (1 of 4 stars; one submission).

Submission:

Labcorp Genetics (formerly Invitae), Labcorp
Classification: Uncertain significance. Last evaluated: 2022-06-01. Review status: criteria provided, single submitter. Criteria: Invitae Variant Classification Sherloc (09022015). Collection method: clinical testing. Allele origin: germline.
Comment: This sequence change replaces glutamine, which is neutral and polar, with arginine, which is basic and polar, at codon 136 of the EXOSC2 protein (p.Gln136Arg). This variant is not present in population databases (gnomAD no frequency). This variant has not been reported in the literature in individuals affected with EXOSC2-related conditions. Algorithms developed to predict the effect of missense changes on protein structure and function output the following: SIFT: "Tolerated"; PolyPhen-2: "Benign"; Align-GVGD: "Class C0". The arginine amino acid residue is found in multiple mammalian species, which suggests that this missense change does not adversely affect protein function. In summary, the available evidence is currently insufficient to determine the role of this variant in disease. Therefore, it has been classified as a Variant of Uncertain Significance.

NM_014285.7(EXOSC2):c.407A>G (p.Gln136Arg)

Gene: EXOSC2 (exosome component 2; plus strand). Cytogenetic location: 9q34.12.
Variant type: single nucleotide variant.
Coding change: c.407A>G on transcript NM_014285.7 (MANE Select); coding-DNA position 407, A replaced by G.
Protein change: p.Gln136Arg; replaces glutamine 136 with arginine.
Molecular consequence: missense variant. On other transcripts: non-coding transcript variant (1).
Genome position (GRCh38, 1-based): chr9:130,699,375, A>G. VCF-style: chr9-130699375-A-G. GRCh37 (hg19) VCF-style: chr9-133574762-A-G.
Other names: c.407A>G, p.Gln136Arg (NM_001282708.1); c.317A>G, p.Gln106Arg (NM_001282709.1); short protein forms Q106R, Q136R.
Identifiers: ClinVar variation 1968798 (VCV001968798.3), dbSNP rs2490788628, ClinGen allele CA375247569.
Genomic context (GRCh38, chr9:130,699,375, plus strand): 5'-TTTGTGTATTTCAGAGGAGAAGATCTGCAGAAGATGAGCTTGCAATGAGAGGTTTCTTAC[A>G]GGAAGGGGACCTTATCAGTGTATCCTGCGCTTTGCACTCCAGCCTCTTGATGCTTTTCTG-3'
Protein context (NP_055100.2, residues 126-146): EDELAMRGFL[Gln136Arg]EGDLISAEVQ